The following is an entry in ClinVar:

NM_014339.7(IL17RA):c.70G>C (p.Gly24Arg)

Gene: IL17RA (interleukin 17 receptor A; plus strand). Cytogenetic location: 22q11.1.
Variant type: single nucleotide variant.
Coding change: c.70G>C on transcript NM_014339.7 (MANE Select); coding-DNA position 70, G replaced by C.
Protein change: p.Gly24Arg; replaces glycine 24 with arginine.
Molecular consequence: missense variant.
Genome position (GRCh38, 1-based): chr22:17,085,161, G>C. VCF-style: chr22-17085161-G-C. GRCh37 (hg19) VCF-style: chr22-17566051-G-C.
Other names: c.70G>C, p.Gly24Arg (NM_001289905.2); c.70G>C (NM_014339.5); short protein forms G24R.
Identifiers: ClinVar variation 476367 (VCV000476367.9), dbSNP rs41510847, ClinGen allele CA10086214.

ClinVar aggregate classification (germline): Uncertain significance. Review status: criteria provided, multiple submitters, no conflicts (2 of 4 stars). 2 submissions from 2 submitters: Uncertain significance (2). Last evaluated 2025-05-26.

Conditions:
Immunodeficiency 51 (IMD51). Also called: CANDIDIASIS, FAMILIAL, 5. Identifiers: Orphanet 1334, MedGen C4310803, MONDO:0013500, OMIM 613953.

Allele frequency attached by ClinVar (database versions not stated): ExAC below 0.00001; gnomAD exomes 0.00004; 1000 Genomes Project 0.00020; gnomAD 0.00044 and 0.00048; 1000 Genomes Project 30x 0.00047; TOPMed 0.00051.

Submissions (2):

Ambry Genetics
Classification: Uncertain significance. Last evaluated: 2025-05-26. Review status: criteria provided, single submitter. Criteria: Ambry Variant Classification Scheme 2023. Collection method: clinical testing. Allele origin: germline.

Labcorp Genetics (formerly Invitae), Labcorp
Classification: Uncertain significance for Immunodeficiency 51. Last evaluated: 2024-10-15. Review status: criteria provided, single submitter. Criteria: Invitae Variant Classification Sherloc (09022015). Collection method: clinical testing. Allele origin: germline.
Comment: This sequence change replaces glycine, which is neutral and non-polar, with arginine, which is basic and polar, at codon 24 of the IL17RA protein (p.Gly24Arg). This variant is present in population databases (rs41510847, gnomAD 0.1%). This variant has not been reported in the literature in individuals affected with IL17RA-related conditions. ClinVar contains an entry for this variant (Variation ID: 476367). Experimental studies and prediction algorithms are not available or were not evaluated, and the functional significance of this variant is currently unknown. In summary, the available evidence is currently insufficient to determine the role of this variant in disease. Therefore, it has been classified as a Variant of Uncertain Significance.